The following is an entry in ClinVar:

NM_001356.5(DDX3X):c.340dup (p.Ser114fs)

Gene: DDX3X (DEAD-box helicase 3 X-linked; plus strand). Cytogenetic location: Xp11.4.
Variant type: Duplication.
Coding change: c.340dup on transcript NM_001356.5 (MANE Select); coding-DNA position 340, one base duplicated (A; older notation c.340dupA).
Protein change: p.Ser114fs; shifts the reading frame from serine 114.
Molecular consequence: frameshift variant. On other transcripts: 5 prime UTR variant (1), non-coding transcript variant (1).
Genome position (GRCh38, 1-based): chrX:41,342,550, A duplicated; the last of 2 consecutive A bases (chrX:41,342,549-41,342,550); duplicating either gives the same sequence. VCF-style (leftmost placement, unchanged base first): chrX-41342548-G-GA. GRCh37 (hg19) VCF-style: chrX-41201801-G-GA.
Other names: c.340dup, p.Ser114fs (NM_001193416.3); c.292dup, p.Ser98fs (NM_001193417.3); c.-219dup (NM_001363819.1); short protein forms S114fs, S98fs.
Identifiers: ClinVar variation 3900672 (VCV003900672.1).

ClinVar aggregate classification (germline): Pathogenic (0 of 4 stars; one submission).

Conditions:
Intellectual disability, X-linked 102 (MRXSSB). Also called: Intellectual developmental disorder, X-linked syndromic, Snijders Blok type. Identifiers: Orphanet 457260, MedGen C5393299, MONDO:0010497, OMIM 300958.

Submission:

Department of Rehabilitation, Anhui Provincial Children's Hospital
Classification: Pathogenic for Intellectual disability, X-linked 102. Last evaluated: 2023-11-23. Review status: no assertion criteria provided. Collection method: clinical testing. Allele origin: de novo. Affected: yes.
Comment: This variant alters the gene's open reading frame (ORF), resulting in dysfunctional protein production. Public database queries confirm that mutations in the DDX3X gene (OMIM:300160) cause "Intellectual Developmental Disorder, X-Linked Syndromic, Snijders Blok Type" (OMIM:300958).